The following is an entry in ClinVar:

ClinVar aggregate classification (germline): Uncertain significance. Review status: criteria provided, multiple submitters, no conflicts (2 of 4 stars). 3 submissions from 3 submitters: Uncertain significance (3). Last evaluated 2024-09-18.

Conditions:
Predisposition to invasive fungal disease due to CARD9 deficiency (IMD103). Also called: IMMUNODEFICIENCY 103, SUSCEPTIBILITY TO FUNGAL INFECTIONS; Candidiasis, familial, 2, autosomal recessive; CARD9 IMMUNODEFICIENCY. Identifiers: Orphanet 457088, MedGen C1859353, MONDO:0008905, OMIM 212050.
Inborn genetic diseases. Identifiers: MedGen C0950123, MeSH D030342.

Allele frequency attached by ClinVar (database versions not stated): ExAC 0.00005; gnomAD exomes 0.00007 and 0.00038; gnomAD 0.00014 and 0.00015; TOPMed 0.00014; ESP Exome Variant Server 0.00015; 1000 Genomes Project 0.00020; 1000 Genomes Project 30x 0.00031.
gnomAD v4.1: 560 of 1,612,902 alleles (0.035%); highest among the groups gnomAD compares: Non-Finnish European, 0.046%; no homozygotes.

Submissions (3):

Ambry Genetics
Classification: Uncertain significance for Inborn genetic diseases. Last evaluated: 2024-09-18. Review status: criteria provided, single submitter. Criteria: Ambry Variant Classification Scheme 2023. Collection method: clinical testing. Allele origin: germline.

Labcorp Genetics (formerly Invitae), Labcorp
Classification: Uncertain significance for Predisposition to invasive fungal disease due to CARD9 deficiency. Last evaluated: 2022-09-09. Review status: criteria provided, single submitter. Criteria: Invitae Variant Classification Sherloc (09022015). Collection method: clinical testing. Allele origin: germline.
Comment: This sequence change replaces serine, which is neutral and polar, with phenylalanine, which is neutral and non-polar, at codon 336 of the CARD9 protein (p.Ser336Phe). This variant is present in population databases (rs189645633, gnomAD 0.02%). This variant has not been reported in the literature in individuals affected with CARD9-related conditions. ClinVar contains an entry for this variant (Variation ID: 579320). Advanced modeling of protein sequence and biophysical properties (such as structural, functional, and spatial information, amino acid conservation, physicochemical variation, residue mobility, and thermodynamic stability) performed at Invitae indicates that this missense variant is not expected to disrupt CARD9 protein function. In summary, the available evidence is currently insufficient to determine the role of this variant in disease. Therefore, it has been classified as a Variant of Uncertain Significance.

Illumina Laboratory Services, Illumina
Classification: Uncertain significance for Predisposition to invasive fungal disease due to CARD9 deficiency. Last evaluated: 2018-03-30. Review status: criteria provided, single submitter. Criteria: ICSL Variant Classification Criteria 13 December 2019. Collection method: clinical testing. Allele origin: germline.

NM_052813.5(CARD9):c.1007C>T (p.Ser336Phe)

Gene: CARD9 (caspase recruitment domain family member 9; minus strand). Cytogenetic location: 9q34.3.
Variant type: single nucleotide variant.
Coding change: c.1007C>T on transcript NM_052813.5 (MANE Select); coding-DNA position 1007, C replaced by T.
Protein change: p.Ser336Phe; replaces serine 336 with phenylalanine.
Molecular consequence: missense variant.
Genome position (GRCh38, 1-based): chr9:136,369,820, G>A on the plus strand (C>T on the coding strand, the complement: CARD9 is on the minus strand). VCF-style: chr9-136369820-G-A. GRCh37 (hg19) VCF-style: chr9-139264272-G-A.
Other names: c.1007C>T, p.Ser336Phe (NM_052814.4); short protein forms S336F.
Identifiers: ClinVar variation 579320 (VCV000579320.11), dbSNP rs189645633, ClinGen allele CA5332879.